The following is an entry in ClinVar:

ClinVar aggregate classification (germline): Uncertain significance (1 of 4 stars; one submission).

Conditions:
Familial adenomatous polyposis 1 (FAP1). Also called: POLYPOSIS, ADENOMATOUS INTESTINAL; FAMILIAL ADENOMATOUS POLYPOSIS 1, ATTENUATED. Identifiers: MedGen C2713442, MONDO:0021056, OMIM 175100. Disease mechanism: loss of function.

Submission:

Labcorp Genetics (formerly Invitae), Labcorp
Classification: Uncertain significance for Familial adenomatous polyposis 1. Last evaluated: 2026-01-01. Review status: criteria provided, single submitter. Criteria: Invitae Variant Classification Sherloc (09022015). Collection method: clinical testing. Allele origin: germline.
Comment: This variant occurs in a non-coding region of the APC gene. It does not change the encoded amino acid sequence of the APC protein. This variant is not present in population databases (gnomAD no frequency). This variant has not been reported in the literature in individuals affected with APC-related conditions. Experimental studies and prediction algorithms are not available or were not evaluated, and the functional significance of this variant is currently unknown. In summary, the available evidence is currently insufficient to determine the role of this variant in disease. Therefore, it has been classified as a Variant of Uncertain Significance.

NC_000005.10:g.112707451C>A

Gene: APC (APC regulator of Wnt signaling pathway; plus strand). Cytogenetic location: 5q22.2.
Variant type: single nucleotide variant.
Genome position: GRCh38 VCF-style: chr5-112707451-C-A. GRCh37 (hg19) VCF-style: chr5-112043148-C-A.
Identifiers: ClinVar variation 1018545 (VCV001018545.9), dbSNP rs942777534, ClinGen allele CA1573442314.